The following is an entry in ClinVar:

ClinVar aggregate classification (germline): Conflicting classifications of pathogenicity. Review status: criteria provided, conflicting classifications (1 of 4 stars). 4 submissions from 4 submitters: Uncertain significance (3); Likely benign (1). Last evaluated 2026-01-26.

Conditions:
STXBP2-related disorder. Also called: STXBP2-related condition.
Familial hemophagocytic lymphohistiocytosis 5. Also called: STXBP2-Related Familial Hemophagocytic Lymphohistiocytosis (STXBP2-fHLH). Identifiers: Orphanet 540, MedGen C2751293, MONDO:0013135, OMIM 613101.

Allele frequency attached by ClinVar (database versions not stated): gnomAD exomes 0.00002 and 0.00009; TOPMed 0.00020; ExAC 0.00040.
gnomAD v4.1: 40 of 1,243,358 alleles (0.0032%); highest among the groups gnomAD compares: African/African-American, 0.061%; no homozygotes.

Submissions (4):

Women's Health and Genetics/Laboratory Corporation of America, LabCorp
Classification: Uncertain significance. Last evaluated: 2026-01-26. Review status: criteria provided, single submitter. Criteria: LabCorp Variant Classification Summary - May 2015. Collection method: clinical testing. Allele origin: germline.
Comment: Variant summary: STXBP2 c.36A>G (p.Glu12Glu) alters a non-conserved nucleotide located close to a canonical splice site and therefore could affect mRNA splicing, leading to a significantly altered protein sequence. Several computational tools predict a significant impact on normal splicing: five predict the variant weakens a 5' donor site. However, these predictions have yet to be confirmed by functional studies. The variant allele was found at a frequency of 3.2e-05 in 1237996 control chromosomes, predominantly at a frequency of 0.00061 within the African or African-American subpopulation in the gnomAD database. This frequency is not significantly higher than estimated for disease-causing variants in STXBP2, allowing no conclusion about variant significance. To our knowledge, no occurrence of c.36A>G in individuals affected with STXBP2-related conditions and no experimental evidence demonstrating its impact on protein function have been reported. ClinVar contains an entry for this variant (Variation ID: 1036793). Based on the evidence outlined above, the variant was classified as uncertain significance.

PreventionGenetics, part of Exact Sciences
Classification: Uncertain significance for STXBP2-related condition. Last evaluated: 2023-07-24. Review status: criteria provided, single submitter. Criteria: ACMG Guidelines, 2015. Collection method: clinical testing. Allele origin: germline.
Comment: The STXBP2 c.36A>G variant is not predicted to result in an amino acid change (p.=). To our knowledge, this variant has not been reported in the literature. This variant is reported in 0.042% of alleles in individuals of African descent in gnomAD. Available splicing prediction programs indicate that this variant may reduce the strength of the neighboring donor splice site and affect splicing (-23.7%; Alamut Visual Plus v.1.6.1). However, such computer prediction programs are imperfect. This variant is reported as variant of unknown significance in ClinVar. At this time, the clinical significance of this variant is uncertain due to the absence of conclusive functional and genetic evidence.

Blueprint Genetics
Classification: Likely benign. Last evaluated: 2023-03-13. Review status: criteria provided, single submitter. Criteria: ACMG Guidelines, 2015. Collection method: clinical testing. Allele origin: germline.

Labcorp Genetics (formerly Invitae), Labcorp
Classification: Uncertain significance for Familial hemophagocytic lymphohistiocytosis 5. Last evaluated: 2022-09-01. Review status: criteria provided, single submitter. Criteria: Invitae Variant Classification Sherloc (09022015). Collection method: clinical testing. Allele origin: germline.
Comment: This sequence change affects codon 12 of the STXBP2 mRNA. It is a 'silent' change, meaning that it does not change the encoded amino acid sequence of the STXBP2 protein. It affects a nucleotide within the consensus splice site. This variant is present in population databases (rs765466426, gnomAD 0.04%). This variant has not been reported in the literature in individuals affected with STXBP2-related conditions. ClinVar contains an entry for this variant (Variation ID: 1036793). Algorithms developed to predict the effect of sequence changes on RNA splicing suggest that this variant is not likely to affect RNA splicing. In summary, the available evidence is currently insufficient to determine the role of this variant in disease. Therefore, it has been classified as a Variant of Uncertain Significance.

NM_006949.4(STXBP2):c.36A>G (p.Glu12=)

Gene: STXBP2 (syntaxin binding protein 2; plus strand). Cytogenetic location: 19p13.2.
Variant type: single nucleotide variant.
Coding change: c.36A>G on transcript NM_006949.4 (MANE Select); coding-DNA position 36, A replaced by G.
Protein change: p.Glu12=; no amino-acid change (glutamic acid 12 retained).
Molecular consequence: synonymous variant. On other transcripts: non-coding transcript variant (1).
Genome position (GRCh38, 1-based): chr19:7,637,185, A>G. VCF-style: chr19-7637185-A-G. GRCh37 (hg19) VCF-style: chr19-7702071-A-G.
Other names: c.36A>G, p.Glu12= (NM_001127396.3, NM_001272034.2); c.36A>G (NM_006949.3).
Identifiers: ClinVar variation 1036793 (VCV001036793.7), dbSNP rs765466426, ClinGen allele CA9143095.